The following is an entry in ClinVar:

NM_177438.3(DICER1):c.1755C>A (p.Ile585=)

Gene: DICER1 (dicer 1, ribonuclease III; minus strand). Cytogenetic location: 14q32.13.
Variant type: single nucleotide variant.
Coding change: c.1755C>A on transcript NM_177438.3 (MANE Select); coding-DNA position 1755, C replaced by A.
Protein change: p.Ile585=; no amino-acid change (isoleucine 585 retained).
Molecular consequence: synonymous variant.
Genome position (GRCh38, 1-based): chr14:95,115,819, G>T on the plus strand (C>A on the coding strand, the complement: DICER1 is on the minus strand). VCF-style: chr14-95115819-G-T. GRCh37 (hg19) VCF-style: chr14-95582156-G-T.
Other names: c.1755C>A, p.Ile585= (NM_001195573.1, NM_001271282.3, NM_001291628.2 and 1 more transcripts).
Identifiers: ClinVar variation 765734 (VCV000765734.12), dbSNP rs1595407299, ClinGen allele CA487631114.

ClinVar aggregate classification (germline): Benign/Likely benign. Review status: criteria provided, multiple submitters, no conflicts (2 of 4 stars). 3 submissions from 3 submitters: Benign (1); Likely benign (2). Last evaluated 2026-04-15.

Conditions:
DICER1-related tumor predisposition. Also called: DICER1 syndrome; DICER1-related pleuropulmonary blastoma cancer predisposition syndrome. Identifiers: Orphanet 284343, MedGen C3839822, MONDO:0100216.
Hereditary cancer-predisposing syndrome. Also called: Tumor predisposition; Hereditary Cancer Syndrome; Hereditary neoplastic syndrome; Neoplastic Syndromes, Hereditary. Identifiers: Orphanet 140162, MedGen C0027672, MeSH D009386, MONDO:0015356.

Submissions (3):

Myriad Genetics, Inc.
Classification: Benign for DICER1-related tumor predisposition. Last evaluated: 2026-04-15. Review status: criteria provided, single submitter. Criteria: Myriad Autosomal Dominant, Autosomal Recessive and X-Linked Classification Criteria (2023). Collection method: clinical testing. Allele origin: unknown.
Comment: This variant is considered benign. This variant is a silent/synonymous amino acid change and it is not expected to impact splicing.

Ambry Genetics
Classification: Likely benign for Hereditary cancer-predisposing syndrome. Last evaluated: 2023-02-10. Review status: criteria provided, single submitter. Criteria: Ambry Variant Classification Scheme 2023. Collection method: clinical testing. Allele origin: germline.

Labcorp Genetics (formerly Invitae), Labcorp
Classification: Likely benign for DICER1-related tumor predisposition. Last evaluated: 2018-08-14. Review status: criteria provided, single submitter. Criteria: Invitae Variant Classification Sherloc (09022015). Collection method: clinical testing. Allele origin: germline.